The following is an entry in ClinVar:

ClinVar aggregate classification (germline): Uncertain significance. Review status: criteria provided, multiple submitters, no conflicts (2 of 4 stars). 2 submissions from 2 submitters: Uncertain significance (2). Last evaluated 2025-07-15.

Conditions:
Cardiovascular phenotype. Identifiers: MedGen CN230736.
Dilated cardiomyopathy 1DD (CMD1DD). Identifiers: Orphanet 154, MedGen C2750995, MONDO:0013168, OMIM 613172.

Allele frequency attached by ClinVar (database versions not stated): gnomAD exomes below 0.00001; gnomAD 0.00002; TOPMed 0.00003.
gnomAD v4.1: 4 of 1,551,558 alleles (0.00026%); highest among the groups gnomAD compares: African/African-American, 0.0041%; no homozygotes.

Submissions (2):

Ambry Genetics
Classification: Uncertain significance for Cardiovascular phenotype. Last evaluated: 2025-07-15. Review status: criteria provided, single submitter. Criteria: Ambry Variant Classification Scheme 2023. Collection method: clinical testing. Allele origin: germline.
Comment: The p.A974T variant (also known as c.2920G>A), located in coding exon 11 of the RBM20 gene, results from a G to A substitution at nucleotide position 2920. The alanine at codon 974 is replaced by threonine, an amino acid with similar properties. This variant was reported in a sudden unexplained death cohort; however, clinical details were limited (Lin Y et al. Circ Cardiovasc Genet, 2017 Dec;10:[ePub ahead of print]). This amino acid position is poorly conserved in available vertebrate species. In addition, this alteration is predicted to be tolerated by in silico analysis. Since supporting evidence is limited at this time, the clinical significance of this alteration remains unclear.

Labcorp Genetics (formerly Invitae), Labcorp
Classification: Uncertain significance for Dilated cardiomyopathy 1DD. Last evaluated: 2024-12-09. Review status: criteria provided, single submitter. Criteria: Invitae Variant Classification Sherloc (09022015). Collection method: clinical testing. Allele origin: germline.
Comment: This sequence change replaces alanine, which is neutral and non-polar, with threonine, which is neutral and polar, at codon 974 of the RBM20 protein (p.Ala974Thr). This variant is not present in population databases (gnomAD no frequency). This missense change has been observed in individual(s) with sudden unexplained death (PMID: 29247119). ClinVar contains an entry for this variant (Variation ID: 1797710). Invitae Evidence Modeling of protein sequence and biophysical properties (such as structural, functional, and spatial information, amino acid conservation, physicochemical variation, residue mobility, and thermodynamic stability) indicates that this missense variant is not expected to disrupt RBM20 protein function with a negative predictive value of 95%. In summary, the available evidence is currently insufficient to determine the role of this variant in disease. Therefore, it has been classified as a Variant of Uncertain Significance.

Literature cited by the submitters: PubMed 29247119 (cited by Ambry Genetics and Labcorp Genetics (formerly Invitae), Labcorp).

NM_001134363.3(RBM20):c.2920G>A (p.Ala974Thr)

Gene: RBM20 (RNA binding motif protein 20; plus strand). Cytogenetic location: 10q25.2.
Variant type: single nucleotide variant.
Coding change: c.2920G>A on transcript NM_001134363.3 (MANE Select); coding-DNA position 2920, G replaced by A.
Protein change: p.Ala974Thr; replaces alanine 974 with threonine.
Molecular consequence: missense variant.
Genome position (GRCh38, 1-based): chr10:110,821,539, G>A. VCF-style: chr10-110821539-G-A. GRCh37 (hg19) VCF-style: chr10-112581297-G-A.
Other names: short protein forms A974T.
Identifiers: ClinVar variation 1797710 (VCV001797710.5), dbSNP rs890306488, ClinGen allele CA213229552.